The following is an entry in ClinVar:

ClinVar aggregate classification (germline): Likely benign (1 of 4 stars; one submission).

Allele frequency attached by ClinVar (database versions not stated): 1000 Genomes Project 30x 0.00812; 1000 Genomes Project 0.00819; TOPMed 0.01305; gnomAD 0.01534 and 0.01594.
gnomAD v4.1: 2,341 of 152,118 alleles (1.5%); highest among the groups gnomAD compares: Non-Finnish European, 2.1%; 33 homozygotes.

Submission:

GeneDx
Classification: Likely benign. Last evaluated: 2018-06-19. Review status: criteria provided, single submitter. Criteria: GeneDx Variant Classification (06012015). Collection method: clinical testing. Allele origin: germline. Affected: yes.
Comment: This variant is considered likely benign or benign based on one or more of the following criteria: it is a conservative change, it occurs at a poorly conserved position in the protein, it is predicted to be benign by multiple in silico algorithms, and/or has population frequency not consistent with disease.

NM_002230.4(JUP):c.1158+310G>A

Gene: JUP (junction plakoglobin; minus strand). Cytogenetic location: 17q21.2.
Variant type: single nucleotide variant.
Coding change: c.1158+310G>A on transcript NM_002230.4 (MANE Select); 310 bases into the intron after coding-DNA position 1158, G replaced by A.
Molecular consequence: intron variant.
Genome position (GRCh38, 1-based): chr17:41,764,403, C>T on the plus strand (G>A on the coding strand, the complement: JUP is on the minus strand). VCF-style: chr17-41764403-C-T. GRCh37 (hg19) VCF-style: chr17-39920655-C-T.
Other names: c.1158+310G>A (NM_001352774.2, NM_021991.4, NM_001352776.2 and 3 more transcripts).
Identifiers: ClinVar variation 674289 (VCV000674289.1), dbSNP rs146254364, ClinGen allele CA290699197.
Genomic context (GRCh38, chr17:41,764,403, plus strand): 5'-TGCCCAACATGGTGAAACCCTGTCTCTAATAAAAATACAAAAATTAGCCAGACATGATGG[C>T]AGGTGCCTGTAGTCCCAACTACTCGGGAGGCTGAGGCAGGAGAATCACTTGAGCCCAGGA-3'